The following is an entry in ClinVar:

NM_021957.4(GYS2):c.-17G>A

Gene: GYS2 (glycogen synthase 2; minus strand). Cytogenetic location: 12p12.1.
Variant type: single nucleotide variant.
Coding change: c.-17G>A on transcript NM_021957.4 (MANE Select); 17 bases upstream of the start codon, G replaced by A.
Molecular consequence: 5 prime UTR variant.
Genome position (GRCh38, 1-based): chr12:21,604,609, C>T on the plus strand (G>A on the coding strand, the complement: GYS2 is on the minus strand). VCF-style: chr12-21604609-C-T. GRCh37 (hg19) VCF-style: chr12-21757543-C-T.
Identifiers: ClinVar variation 518140 (VCV000518140.1), dbSNP rs181144954, ClinGen allele CA6480307.

ClinVar aggregate classification (germline): Likely benign (1 of 4 stars; one submission).

Allele frequency attached by ClinVar (database versions not stated): ExAC 0.00002; gnomAD exomes 0.00003 and 0.00010; gnomAD 0.00004 and 0.00005; TOPMed 0.00006; ESP Exome Variant Server 0.00008; 1000 Genomes Project 30x 0.00016; 1000 Genomes Project 0.00020.
gnomAD v4.1: 148 of 1,611,876 alleles (0.0092%); highest among the groups gnomAD compares: Non-Finnish European, 0.011%; no homozygotes.

Submission:

GeneDx
Classification: Likely benign. Last evaluated: 2017-07-06. Review status: criteria provided, single submitter. Criteria: GeneDx Variant Classification (06012015). Collection method: clinical testing. Allele origin: germline. Affected: yes.
Comment: This variant is considered likely benign or benign based on one or more of the following criteria: it is a conservative change, it occurs at a poorly conserved position in the protein, it is predicted to be benign by multiple in silico algorithms, and/or has population frequency not consistent with disease.